The following is an entry in ClinVar:

ClinVar aggregate classification (germline): Conflicting classifications of pathogenicity. Review status: criteria provided, conflicting classifications (1 of 4 stars). 3 submissions from 3 submitters: Likely pathogenic (2); Uncertain significance (1). Last evaluated 2025-02-06.

Conditions:
Familial hyperparathyroidism or Hypocalciuric hypercalcaemia.
Hereditary cancer-predisposing syndrome. Also called: Hereditary neoplastic syndrome; Tumor predisposition; Neoplastic Syndromes, Hereditary; Hereditary Cancer Syndrome. Identifiers: Orphanet 140162, MedGen C0027672, MeSH D009386, MONDO:0015356.
Parathyroid carcinoma (PRTC). Also called: Parathyroid gland carcinoma; CDC73-Related Parathyroid Carcinoma. Identifiers: Orphanet 143, MedGen C0687150, MONDO:0012004, OMIM 608266, HP:0006780.

Submissions (3):

Cambridge Genomics Laboratory, East Genomic Laboratory Hub, NHS Genomic Medicine Service
Classification: Likely pathogenic for Familial hyperparathyroidism or Hypocalciuric hypercalcaemia. Last evaluated: 2025-02-06. Review status: criteria provided, single submitter. Criteria: ACGS Best Practice Guidelines for Variant Classification in Rare Disease 2020. Collection method: clinical testing. Allele origin: germline. Affected: yes.
Comment: PS3_Supporting,PM2,PP1_Moderate,PP2,PP3,PP4

Ambry Genetics
Classification: Likely pathogenic for Hereditary cancer-predisposing syndrome. Last evaluated: 2024-12-23. Review status: criteria provided, single submitter. Criteria: Ambry Variant Classification Scheme 2023. Collection method: clinical testing. Allele origin: germline.
Comment: The p.L95P variant (also known as c.284T>C), located in coding exon 3 of the CDC73 gene, results from a T to C substitution at nucleotide position 284. The leucine at codon 95 is replaced by proline, an amino acid with similar properties. This variant was reported in individual(s) with features consistent with CDC73-related disorders (Panicker LM et al. Endocr Relat Cancer, 2010 Jun;17:513-24). This amino acid position is highly conserved in available vertebrate species. In addition, this alteration is predicted to be deleterious by in silico analysis. This variant is considered to be rare based on population cohorts in the Genome Aggregation Database (gnomAD). Based on the majority of available evidence to date, this variant is likely to be pathogenic.

Labcorp Genetics (formerly Invitae), Labcorp
Classification: Uncertain significance for Parathyroid carcinoma. Last evaluated: 2024-03-28. Review status: criteria provided, single submitter. Criteria: Invitae Variant Classification Sherloc (09022015). Collection method: clinical testing. Allele origin: germline.
Comment: This sequence change replaces leucine, which is neutral and non-polar, with proline, which is neutral and non-polar, at codon 95 of the CDC73 protein (p.Leu95Pro). This variant is not present in population databases (gnomAD no frequency). This missense change has been observed in individual(s) with hyperparathyroidism and/or hyperparathyroidism with jaw cysts (PMID: 20304979). It has also been observed to segregate with disease in related individuals. ClinVar contains an entry for this variant (Variation ID: 1501919). Advanced modeling of protein sequence and biophysical properties (such as structural, functional, and spatial information, amino acid conservation, physicochemical variation, residue mobility, and thermodynamic stability) performed at Invitae indicates that this missense variant is expected to disrupt CDC73 protein function with a positive predictive value of 80%. Experimental studies have shown that this missense change affects CDC73 function (PMID: 20304979). In summary, the available evidence is currently insufficient to determine the role of this variant in disease. Therefore, it has been classified as a Variant of Uncertain Significance.

Literature cited by the submitters: PubMed 20304979 (cited by Ambry Genetics and Labcorp Genetics (formerly Invitae), Labcorp).

NM_024529.5(CDC73):c.284T>C (p.Leu95Pro)

Gene: CDC73 (cell division cycle 73; plus strand). Cytogenetic location: 1q31.2.
Variant type: single nucleotide variant.
Coding change: c.284T>C on transcript NM_024529.5 (MANE Select); coding-DNA position 284, T replaced by C.
Protein change: p.Leu95Pro; replaces leucine 95 with proline.
Molecular consequence: missense variant.
Genome position (GRCh38, 1-based): chr1:193,130,220, T>C. VCF-style: chr1-193130220-T-C. GRCh37 (hg19) VCF-style: chr1-193099350-T-C.
Other names: c.284T>C (NM_024529.4); short protein forms L95P.
Identifiers: ClinVar variation 1501919 (VCV001501919.8), dbSNP rs2103117916, ClinGen allele CA343973371.
Genomic context (GRCh38, chr1:193,130,220, plus strand): 5'-AATTTTGGTTTTAGACTGAAAATATTCCTGTGGTTAGAAGACCTGATCGAAAAGATCTAC[T>C]TGGATATCTCAATGGTGAAGCGTGTGAGTACTTTTTAAATTGTTCCCAGTCTTAAACAGA-3'
Protein context (NP_078805.3, residues 85-105): VVRRPDRKDL[Leu95Pro]GYLNGEASTS